The following is an entry in ClinVar:

NM_001271.4(CHD2):c.1234G>A (p.Glu412Lys)

Gene: CHD2 (chromodomain helicase DNA binding protein 2; plus strand). Cytogenetic location: 15q26.1.
Variant type: single nucleotide variant.
Coding change: c.1234G>A on transcript NM_001271.4 (MANE Select); coding-DNA position 1234, G replaced by A.
Protein change: p.Glu412Lys; replaces glutamic acid 412 with lysine.
Molecular consequence: missense variant.
Genome position (GRCh38, 1-based): chr15:92,946,073, G>A. VCF-style: chr15-92946073-G-A. GRCh37 (hg19) VCF-style: chr15-93489303-G-A.
Other names: c.1234G>A, p.Glu412Lys (NM_001042572.3); short protein forms E412K.
Identifiers: ClinVar variation 1395114 (VCV001395114.8), dbSNP rs541056569, ClinGen allele CA274873916.

ClinVar aggregate classification (germline): Uncertain significance (1 of 4 stars; one submission).

Conditions:
Developmental and epileptic encephalopathy 94 (DEE94). Also called: CHD2-Related Neurodevelopmental Disorders; Epileptic encephalopathy, childhood-onset. Identifiers: Orphanet 1942, Orphanet 2382, MedGen C3809278, MONDO:0014150, OMIM 615369.

Allele frequency attached by ClinVar (database versions not stated): gnomAD exomes below 0.00001; gnomAD 0.00001; TOPMed 0.00001.
gnomAD v4.1: 7 of 1,603,660 alleles (0.00044%); highest among the groups gnomAD compares: African/African-American, 0.0013%; no homozygotes.

Submission:

Labcorp Genetics (formerly Invitae), Labcorp
Classification: Uncertain significance for Developmental and epileptic encephalopathy 94. Last evaluated: 2023-02-28. Review status: criteria provided, single submitter. Criteria: Invitae Variant Classification Sherloc (09022015). Collection method: clinical testing. Allele origin: germline.
Comment: In summary, the available evidence is currently insufficient to determine the role of this variant in disease. Therefore, it has been classified as a Variant of Uncertain Significance. Advanced modeling of protein sequence and biophysical properties (such as structural, functional, and spatial information, amino acid conservation, physicochemical variation, residue mobility, and thermodynamic stability) performed at Invitae indicates that this missense variant is not expected to disrupt CHD2 protein function. ClinVar contains an entry for this variant (Variation ID: 1395114). This missense change has been observed in individual(s) with CHD2-related conditions (PMID: 33004838; Invitae). This variant is present in population databases (rs541056569, gnomAD 0.01%). This sequence change replaces glutamic acid, which is acidic and polar, with lysine, which is basic and polar, at codon 412 of the CHD2 protein (p.Glu412Lys).

Literature cited by the submitters: PubMed 33004838.